The following is an entry in ClinVar:

ClinVar aggregate classification (germline): Benign. Review status: criteria provided, multiple submitters, no conflicts (2 of 4 stars). 3 submissions from 3 submitters: Benign (2). 1 of the submissions does not count toward it. Last evaluated 2026-01-24.

Conditions:
CLCN7-related disorder. Also called: CLCN7-related condition.
Osteopetrosis. Identifiers: Orphanet 2781, MedGen C0029454, MONDO:0017198, HP:0011002.

Allele frequency attached by ClinVar (database versions not stated): gnomAD exomes 0.00044 and 0.00120; ExAC 0.00165; ESP Exome Variant Server 0.00439; gnomAD 0.00444 and 0.00471; TOPMed 0.00492; 1000 Genomes Project 30x 0.00703; 1000 Genomes Project 0.00719.
gnomAD v4.1: 1,343 of 1,603,638 alleles (0.084%); highest among the groups gnomAD compares: African/African-American, 1.4%; 6 homozygotes.

Submissions (3):

Labcorp Genetics (formerly Invitae), Labcorp
Classification: Benign. Last evaluated: 2026-01-24. Review status: criteria provided, single submitter. Criteria: Invitae Variant Classification Sherloc (09022015). Collection method: clinical testing. Allele origin: germline.

Illumina Laboratory Services, Illumina
Classification: Benign for Osteopetrosis. Last evaluated: 2018-01-13. Review status: criteria provided, single submitter. Criteria: ICSL Variant Classification Criteria 13 December 2019. Collection method: clinical testing. Allele origin: germline.
Comment: This variant was observed in the ICSL laboratory as part of a predisposition screen in an ostensibly healthy population. It had not been previously curated by ICSL or reported in the Human Gene Mutation Database (HGMD: prior to June 1st, 2018), and was therefore a candidate for classification through an automated scoring system. Utilizing variant allele frequency, disease prevalence and penetrance estimates, and inheritance mode, an automated score was calculated to assess if this variant is too frequent to cause the disease. Based on the score and internal cut-off values, a variant classified as benign is not then subjected to further curation. The score for this variant resulted in a classification of benign for this disease.

PreventionGenetics, part of Exact Sciences
Classification: Benign for CLCN7-related condition. Last evaluated: 2019-08-29. Review status: no assertion criteria provided. Collection method: clinical testing. Allele origin: germline. Not counted in ClinVar's aggregate classification.
Comment: This variant is classified as benign based on ACMG/AMP sequence variant interpretation guidelines (Richards et al. 2015 PMID: 25741868, with internal and published modifications).

NM_001287.6(CLCN7):c.675+10C>T

Gene: CLCN7 (Cl-/H+ antiporter 7; minus strand). Cytogenetic location: 16p13.3.
Variant type: single nucleotide variant.
Coding change: c.675+10C>T on transcript NM_001287.6 (MANE Select); 10 bases into the intron after coding-DNA position 675, C replaced by T.
Molecular consequence: intron variant.
Genome position (GRCh38, 1-based): chr16:1,459,097, G>A on the plus strand (C>T on the coding strand, the complement: CLCN7 is on the minus strand). VCF-style: chr16-1459097-G-A. GRCh37 (hg19) VCF-style: chr16-1509098-G-A.
Other names: c.603+10C>T (NM_001114331.3).
Identifiers: ClinVar variation 713529 (VCV000713529.16), dbSNP rs116495246, ClinGen allele CA7810672.